The following is an entry in ClinVar:

NM_014339.7(IL17RA):c.749A>G (p.His250Arg)

Gene: IL17RA (interleukin 17 receptor A; plus strand). Cytogenetic location: 22q11.1.
Variant type: single nucleotide variant.
Coding change: c.749A>G on transcript NM_014339.7 (MANE Select); coding-DNA position 749, A replaced by G.
Protein change: p.His250Arg; replaces histidine 250 with arginine.
Molecular consequence: missense variant.
Genome position (GRCh38, 1-based): chr22:17,102,289, A>G. VCF-style: chr22-17102289-A-G. GRCh37 (hg19) VCF-style: chr22-17583179-A-G.
Other names: c.749A>G, p.His250Arg (NM_001289905.2); short protein forms H250R.
Identifiers: ClinVar variation 1374215 (VCV001374215.5), dbSNP rs1601344417, ClinGen allele CA410213229.

ClinVar aggregate classification (germline): Uncertain significance (1 of 4 stars; one submission).

Conditions:
Immunodeficiency 51 (IMD51). Also called: CANDIDIASIS, FAMILIAL, 5. Identifiers: Orphanet 1334, MedGen C4310803, MONDO:0013500, OMIM 613953.

Allele frequency attached by ClinVar (database versions not stated): gnomAD exomes below 0.00001; TOPMed below 0.00001.
gnomAD v4.1: 3 of 1,614,146 alleles (0.00019%); highest among the groups gnomAD compares: East Asian, 0.0045%; no homozygotes.

Submission:

Labcorp Genetics (formerly Invitae), Labcorp
Classification: Uncertain significance for Immunodeficiency 51. Last evaluated: 2024-06-24. Review status: criteria provided, single submitter. Criteria: Invitae Variant Classification Sherloc (09022015). Collection method: clinical testing. Allele origin: germline.
Comment: This sequence change replaces histidine, which is basic and polar, with arginine, which is basic and polar, at codon 250 of the IL17RA protein (p.His250Arg). This variant is not present in population databases (gnomAD no frequency). This variant has not been reported in the literature in individuals affected with IL17RA-related conditions. ClinVar contains an entry for this variant (Variation ID: 1374215). Advanced modeling of protein sequence and biophysical properties (such as structural, functional, and spatial information, amino acid conservation, physicochemical variation, residue mobility, and thermodynamic stability) performed at Invitae indicates that this missense variant is not expected to disrupt IL17RA protein function with a negative predictive value of 80%. In summary, the available evidence is currently insufficient to determine the role of this variant in disease. Therefore, it has been classified as a Variant of Uncertain Significance.